The following is an entry in ClinVar:

ClinVar aggregate classification (germline): Uncertain significance. Review status: criteria provided, multiple submitters, no conflicts (2 of 4 stars). 2 submissions from 2 submitters: Uncertain significance (2). Last evaluated 2026-03-01.

Conditions:
Emery-Dreifuss muscular dystrophy 4, autosomal dominant (EDMD4). Also called: EMERY-DREIFUSS MUSCULAR DYSTROPHY 4 WITH VARIABLE FEATURES. Identifiers: Orphanet 261, MedGen C2751807, MONDO:0013071, OMIM 612998.

gnomAD v4.1: 2 of 1,613,998 alleles (0.00012%); highest among the groups gnomAD compares: Non-Finnish European, 0.00017%; no homozygotes.

Submissions (2):

CeGaT Center for Human Genetics Tuebingen
Classification: Uncertain significance. Last evaluated: 2026-03-01. Review status: criteria provided, single submitter. Criteria: CeGaT Center For Human Genetics Tuebingen Variant Classification Criteria Version 2. Collection method: clinical testing. Allele origin: germline. Affected: yes. Observed: 1 variant allele.
Comment: SYNE1: PM2

MVZ Medizinische Genetik Mainz
Classification: Uncertain significance for Emery-Dreifuss muscular dystrophy 4, autosomal dominant. Last evaluated: 2021-12-27. Review status: criteria provided, single submitter. Criteria: UK Practice Guidelines For Variant Classification V4 01 2020. Collection method: clinical testing. Allele origin: germline. Inheritance: Autosomal dominant inheritance. Affected: yes. Observed: 1 variant allele.
Comment: ACMG Criteria: PM2_SUP, PP3 (ACMG Version 3)

NM_182961.4(SYNE1):c.25135G>C (p.Glu8379Gln)

Gene: SYNE1 (spectrin repeat containing nuclear envelope protein 1; minus strand). Cytogenetic location: 6q25.2.
Variant type: single nucleotide variant.
Coding change: c.25135G>C on transcript NM_182961.4 (MANE Select); coding-DNA position 25135, G replaced by C.
Protein change: p.Glu8379Gln; replaces glutamic acid 8379 with glutamine.
Molecular consequence: missense variant.
Genome position (GRCh38, 1-based): chr6:152,141,314, C>G on the plus strand (G>C on the coding strand, the complement: SYNE1 is on the minus strand). VCF-style: chr6-152141314-C-G. GRCh37 (hg19) VCF-style: chr6-152462449-C-G.
Other names: c.1741G>C, p.Glu581Gln (NM_001347701.2); c.1669G>C, p.Glu557Gln (NM_001347702.2); c.24991G>C, p.Glu8331Gln (NM_033071.5); short protein forms E557Q, E581Q, E8331Q, E8379Q.
Identifiers: ClinVar variation 3236767 (VCV003236767.3), dbSNP rs531559372.